The following is an entry in ClinVar:

NM_004385.5(VCAN):c.8115G>T (p.Glu2705Asp)

Genes: VCAN (versican; plus strand), VCAN-AS1 (VCAN antisense RNA 1; minus strand). Cytogenetic location: 5q14.3.
Variant type: single nucleotide variant.
Coding change: c.8115G>T on transcript NM_004385.5 (MANE Select); coding-DNA position 8115, G replaced by T.
Protein change: p.Glu2705Asp; replaces glutamic acid 2705 with aspartic acid.
Molecular consequence: missense variant. On other transcripts: intron variant (2).
Genome position (GRCh38, 1-based): chr5:83,541,118, G>T. VCF-style: chr5-83541118-G-T. GRCh37 (hg19) VCF-style: chr5-82836937-G-T.
Other names: c.5154G>T, p.Glu1718Asp (NM_001164097.2); c.4004-4419G>T (NM_001164098.2); c.1043-4419G>T (NM_001126336.3); c.8115G>T (NM_004385.4); short protein forms E1718D, E2705D.
Identifiers: ClinVar variation 1116149 (VCV001116149.11), dbSNP rs752026731, ClinGen allele CA3333755.

ClinVar aggregate classification (germline): Conflicting classifications of pathogenicity. Review status: criteria provided, conflicting classifications (1 of 4 stars). 3 submissions from 3 submitters: Uncertain significance (1); Likely benign (2). Last evaluated 2026-01-06.

Conditions:
Inborn genetic diseases. Identifiers: MedGen C0950123, MeSH D030342.
VCAN-related disorder. Also called: VCAN-related condition.

Allele frequency attached by ClinVar (database versions not stated): ExAC 0.00003; gnomAD 0.00003; gnomAD exomes 0.00005 and 0.00011; TOPMed 0.00005.
gnomAD v4.1: 33 of 1,614,034 alleles (0.002%); highest among the groups gnomAD compares: Admixed American, 0.055%; no homozygotes.

Submissions (3):

PreventionGenetics, part of Exact Sciences
Classification: Likely benign for VCAN-related condition. Last evaluated: 2026-01-06. Review status: criteria provided, single submitter. Criteria: ACMG Guidelines, 2015. Collection method: clinical testing. Allele origin: germline.
Comment: This variant is classified as likely benign based on ACMG/AMP sequence variant interpretation guidelines (Richards et al. 2015 PMID: 25741868, with internal and published modifications).

Labcorp Genetics (formerly Invitae), Labcorp
Classification: Likely benign. Last evaluated: 2025-12-03. Review status: criteria provided, single submitter. Criteria: Invitae Variant Classification Sherloc (09022015). Collection method: clinical testing. Allele origin: germline.

Ambry Genetics
Classification: Uncertain significance for Inborn genetic diseases. Last evaluated: 2025-01-08. Review status: criteria provided, single submitter. Criteria: Ambry Variant Classification Scheme 2023. Collection method: clinical testing. Allele origin: germline.